The following is an entry in ClinVar:

NM_001203.3(BMPR1B):c.1100C>G (p.Pro367Arg)

Gene: BMPR1B (bone morphogenetic protein receptor type 1B; plus strand). Cytogenetic location: 4q22.3.
Variant type: single nucleotide variant.
Coding change: c.1100C>G on transcript NM_001203.3 (MANE Select); coding-DNA position 1100, C replaced by G.
Protein change: p.Pro367Arg; replaces proline 367 with arginine.
Molecular consequence: missense variant.
Genome position (GRCh38, 1-based): chr4:95,148,771, C>G. VCF-style: chr4-95148771-C-G. GRCh37 (hg19) VCF-style: chr4-96069922-C-G.
Other names: c.1100C>G, p.Pro367Arg (NM_001256792.2, NM_001256794.1); c.1190C>G, p.Pro397Arg (NM_001256793.2); short protein forms P367R, P397R.
Identifiers: ClinVar variation 1489198 (VCV001489198.8), dbSNP rs1284054241, ClinGen allele CA357685535.
Genomic context (GRCh38, chr4:95,148,771, plus strand): 5'-TTCAATGCTGTAATGCTTTGCTTTACTTTTTCCTTAGTGATACAAATGAAGTTGACATAC[C>G]ACCTAACACTCGAGTTGGCACCAAACGCTATATGCCTCCAGAAGTGTTGGACGAGAGCTT-3'
Protein context (NP_001194.1, residues 357-377): FISDTNEVDI[Pro367Arg]PNTRVGTKRY

ClinVar aggregate classification (germline): Uncertain significance (1 of 4 stars; one submission).

Conditions:
Acromesomelic dysplasia 3 (AMD3). Also called: CHONDRODYSPLASIA, ACROMESOMELIC, WITH OR WITHOUT GENITAL ANOMALIES; Acromesomelic dysplasia, Demirhan type. Identifiers: MedGen C4225404, MONDO:0012274, OMIM 609441.
Type A2 brachydactyly (BDA2). Also called: MOHR-WRIEDT TYPE BRACHYDACTYLY; BRACHYMESOPHALANGY II; Brachymesophalangy type 2. Identifiers: Orphanet 93396, MedGen C1832702, MONDO:0007216, OMIM 112600, HP:0009372.

Allele frequency attached by ClinVar (database versions not stated): gnomAD 0.00001; gnomAD exomes 0.00001 and 0.00002.
gnomAD v4.1: 32 of 1,613,764 alleles (0.002%); highest among the groups gnomAD compares: Non-Finnish European, 0.0025%; no homozygotes.

Submission:

Labcorp Genetics (formerly Invitae), Labcorp
Classification: Uncertain significance for Type A2 brachydactyly; Acromesomelic dysplasia 3. Last evaluated: 2021-03-30. Review status: criteria provided, single submitter. Criteria: Invitae Variant Classification Sherloc (09022015). Collection method: clinical testing. Allele origin: germline.
Comment: In summary, the available evidence is currently insufficient to determine the role of this variant in disease. Therefore, it has been classified as a Variant of Uncertain Significance. Advanced modeling of protein sequence and biophysical properties (such as structural, functional, and spatial information, amino acid conservation, physicochemical variation, residue mobility, and thermodynamic stability) performed at Invitae indicates that this missense variant is not expected to disrupt BMPR1B protein function. This variant has not been reported in the literature in individuals with BMPR1B-related conditions. This variant is not present in population databases (ExAC no frequency). This sequence change replaces proline with arginine at codon 367 of the BMPR1B protein (p.Pro367Arg). The proline residue is highly conserved and there is a moderate physicochemical difference between proline and arginine.